The following is an entry in ClinVar:

NM_000554.6(CRX):c.*2739G>A

Gene: CRX (cone-rod homeobox; plus strand). Cytogenetic location: 19q13.33.
Variant type: single nucleotide variant.
Coding change: c.*2739G>A on transcript NM_000554.6 (MANE Select); 2739 bases downstream of the stop codon, G replaced by A.
Molecular consequence: 3 prime UTR variant.
Genome position (GRCh38, 1-based): chr19:47,842,706, G>A. VCF-style: chr19-47842706-G-A. GRCh37 (hg19) VCF-style: chr19-48345963-G-A.
Identifiers: ClinVar variation 329770 (VCV000329770.5), dbSNP rs149039830, ClinGen allele CA10648928.

ClinVar aggregate classification (germline): Conflicting classifications of pathogenicity. Review status: criteria provided, conflicting classifications (1 of 4 stars). 3 submissions from 1 submitter: Uncertain significance (1); Benign (1); Likely benign (1). Last evaluated 2018-01-12.

Conditions:
Leber congenital amaurosis 7 (LCA7). Identifiers: Orphanet 65, MedGen C3151192, MONDO:0013449, OMIM 613829.
Retinitis pigmentosa (RP). Identifiers: Orphanet 791, MedGen C0035334, MeSH D012174, MONDO:0019200, OMIM 268000. Inheritance: Autosomal dominant, autosomal recessive and X linked inheritance.
Cone-rod dystrophy 2 (CORD2). Also called: CONE-ROD RETINAL DYSTROPHY; Cone-rod retinal dystrophy 2. Identifiers: Orphanet 1872, MedGen C3489532, MONDO:0007362, OMIM 120970.

Allele frequency attached by ClinVar (database versions not stated): 1000 Genomes Project 30x 0.00219; 1000 Genomes Project 0.00220; gnomAD 0.00452; TOPMed 0.00635; gnomAD exomes 0.01449.
gnomAD v4.1: 948 of 152,326 alleles (0.62%); highest among the groups gnomAD compares: Non-Finnish European, 1%; 10 homozygotes.

Submissions (3):

Illumina Laboratory Services, Illumina
Classification: Uncertain significance for Leber congenital amaurosis 7. Last evaluated: 2018-01-12. Review status: criteria provided, single submitter. Criteria: ICSL Variant Classification Criteria 13 December 2019. Collection method: clinical testing. Allele origin: germline.

Illumina Laboratory Services, Illumina
Classification: Likely benign for Retinitis pigmentosa. Last evaluated: 2018-01-12. Review status: criteria provided, single submitter. Criteria: ICSL Variant Classification Criteria 13 December 2019. Collection method: clinical testing. Allele origin: germline.
Comment: This variant was observed in the ICSL laboratory as part of a predisposition screen in an ostensibly healthy population. It had not been previously curated by ICSL or reported in the Human Gene Mutation Database (HGMD: prior to June 1st, 2018), and was therefore a candidate for classification through an automated scoring system. Utilizing variant allele frequency, disease prevalence and penetrance estimates, and inheritance mode, an automated score was calculated to assess if this variant is too frequent to cause the disease. Based on the score and internal cut-off values, a variant classified as likely benign is not then subjected to further curation. The score for this variant resulted in a classification of likely benign for this disease.

Illumina Laboratory Services, Illumina
Classification: Benign for Cone-rod dystrophy 2. Last evaluated: 2018-01-12. Review status: criteria provided, single submitter. Criteria: ICSL Variant Classification Criteria 13 December 2019. Collection method: clinical testing. Allele origin: germline.
Comment: This variant was observed in the ICSL laboratory as part of a predisposition screen in an ostensibly healthy population. It had not been previously curated by ICSL or reported in the Human Gene Mutation Database (HGMD: prior to June 1st, 2018), and was therefore a candidate for classification through an automated scoring system. Utilizing variant allele frequency, disease prevalence and penetrance estimates, and inheritance mode, an automated score was calculated to assess if this variant is too frequent to cause the disease. Based on the score and internal cut-off values, a variant classified as benign is not then subjected to further curation. The score for this variant resulted in a classification of benign for this disease.